The following is an entry in ClinVar:

NM_001104631.2(PDE4D):c.569C>A (p.Ser190Tyr)

Gene: PDE4D (phosphodiesterase 4D; minus strand). Cytogenetic location: 5q11.2.
Variant type: single nucleotide variant.
Coding change: c.569C>A on transcript NM_001104631.2 (MANE Select); coding-DNA position 569, C replaced by A.
Protein change: p.Ser190Tyr; replaces serine 190 with tyrosine.
Molecular consequence: missense variant. On other transcripts: 5 prime UTR variant (3).
Genome position (GRCh38, 1-based): chr5:59,215,855, G>T on the plus strand (C>A on the coding strand, the complement: PDE4D is on the minus strand). VCF-style: chr5-59215855-G-T. GRCh37 (hg19) VCF-style: chr5-58511681-G-T.
Other names: c.203C>A, p.Ser68Tyr (NM_001197219.2); c.179C>A, p.Ser60Tyr (NM_001197220.2); c.356C>A, p.Ser119Tyr (NM_001349241.2); c.239C>A, p.Ser80Tyr (NM_001349242.2); c.-126C>A (NM_001349243.2, NM_001364604.1); c.386C>A, p.Ser129Tyr (NM_001364599.1, NM_001364600.2, NM_001165899.2); c.377C>A, p.Ser126Tyr (NM_001364601.1, NM_001364602.2, NM_001197218.2); c.-382C>A (NM_001364603.1); and 1 more; short protein forms S129Y, S60Y, S80Y, S119Y, S126Y, S190Y, S54Y, S68Y.
Identifiers: ClinVar variation 2752114 (VCV002752114.3), dbSNP rs1751144333, ClinGen allele CA359930888.

ClinVar aggregate classification (germline): Uncertain significance (1 of 4 stars; one submission).

Submission:

Labcorp Genetics (formerly Invitae), Labcorp
Classification: Uncertain significance. Last evaluated: 2023-05-23. Review status: criteria provided, single submitter. Criteria: Invitae Variant Classification Sherloc (09022015). Collection method: clinical testing. Allele origin: germline.
Comment: In summary, the available evidence is currently insufficient to determine the role of this variant in disease. Therefore, it has been classified as a Variant of Uncertain Significance. This variant disrupts the p.Ser190 amino acid residue in PDE4D. Other variant(s) that disrupt this residue have been observed in individuals with PDE4D-related conditions (PMID: 22464250, 28515031), which suggests that this may be a clinically significant amino acid residue. Advanced modeling of protein sequence and biophysical properties (such as structural, functional, and spatial information, amino acid conservation, physicochemical variation, residue mobility, and thermodynamic stability) performed at Invitae indicates that this missense variant is expected to disrupt PDE4D protein function. This variant has not been reported in the literature in individuals affected with PDE4D-related conditions. This variant is not present in population databases (gnomAD no frequency). This sequence change replaces serine, which is neutral and polar, with tyrosine, which is neutral and polar, at codon 190 of the PDE4D protein (p.Ser190Tyr).

Literature cited by the submitters: PubMed 22464250; PubMed 28515031.